The following is an entry in ClinVar:

ClinVar aggregate classification (germline): Uncertain significance (1 of 4 stars; one submission).

Submission:

CeGaT Center for Human Genetics Tuebingen
Classification: Uncertain significance. Last evaluated: 2025-07-01. Review status: criteria provided, single submitter. Criteria: CeGaT Center For Human Genetics Tuebingen Variant Classification Criteria Version 2. Collection method: clinical testing. Allele origin: germline. Affected: yes. Observed: 1 variant allele.
Comment: GIGYF1: PM2

NM_001375765.1(GIGYF1):c.457del (p.Gln153fs)

Gene: GIGYF1 (GRB10 interacting GYF protein 1; minus strand). Cytogenetic location: 7q22.1.
Variant type: Deletion.
Coding change: c.457del on transcript NM_001375765.1 (MANE Select); coding-DNA position 457, one base deleted (C; older notation c.457delC).
Protein change: p.Gln153fs; shifts the reading frame from glutamine 153.
Molecular consequence: frameshift variant. On other transcripts: non-coding transcript variant (1).
Genome position (GRCh38, 1-based): chr7:100,687,323, G deleted on the plus strand (C on the coding strand, the reverse complement: GIGYF1 is on the minus strand); the first of 2 consecutive G bases (chr7:100,687,323-100,687,324); deleting either gives the same sequence. VCF-style (leftmost placement, unchanged base first): chr7-100687322-TG-T. GRCh37 (hg19) VCF-style: chr7-100284945-TG-T.
Other names: c.457del, p.Gln153fs (NM_001375767.1, NM_001375768.1, NM_001375759.1 and 6 more transcripts); short protein forms Q153fs.
Identifiers: ClinVar variation 4085506 (VCV004085506.8).